The following is an entry in ClinVar:

NM_025219.3(DNAJC5):c.-12+1_-12+28del

Gene: DNAJC5 (DnaJ heat shock protein family (Hsp40) member C5; plus strand). Cytogenetic location: 20q13.33.
Variant type: Deletion.
Coding change: c.-12+1_-12+28del on transcript NM_025219.3 (MANE Select); the canonical splice donor site of the intron after 12 bases upstream of the start codon through 28 bases into the intron after 12 bases upstream of the start codon, 28 bases deleted (GTGAGCTCGCTGCGGGTCGGGCGGGCGG).
Molecular consequence: splice donor variant.
Genome position (GRCh38, 1-based): chr20:63,895,324-63,895,351, GTGAGCTCGCTGCGGGTCGGGCGGGCGG deleted; deleting any 28 consecutive bases within chr20:63,895,323-63,895,351 gives the same sequence; the c. name uses the placement nearest the transcript's 3' end. VCF-style (leftmost placement, unchanged base first): chr20-63895322-AGGTGAGCTCGCTGCGGGTCGGGCGGGCG-A. GRCh37 (hg19) VCF-style: chr20-62526675-AGGTGAGCTCGCTGCGGGTCGGGCGGGCG-A.
Other names: c.-12+1_-12+28delGTGAGCTCGCTGCGGGTCGGGCGGGCGG (NM_025219.2).
Identifiers: ClinVar variation 449701 (VCV000449701.5), dbSNP rs1306801393, ClinGen allele CA636373860.

ClinVar aggregate classification (germline): Uncertain significance (1 of 4 stars; one submission).

Submission:

GeneDx
Classification: Uncertain significance. Last evaluated: 2026-02-09. Review status: criteria provided, single submitter. Criteria: GeneDx Variant Classification Process June 2021. Collection method: clinical testing. Allele origin: germline. Affected: yes.
Comment: Not observed at significant frequency in large population cohorts (gnomAD); In silico analysis supports a deleterious effect on splicing; Has not been previously published as pathogenic or benign to our knowledge